The following is an entry in ClinVar:

ClinVar aggregate classification (germline): Uncertain significance (1 of 4 stars; one submission).

Submission:

GeneDx
Classification: Uncertain significance. Last evaluated: 2022-09-01. Review status: criteria provided, single submitter. Criteria: GeneDx Variant Classification Process June 2021. Collection method: clinical testing. Allele origin: germline. Affected: yes.
Comment: Canonical splice site variant predicted to result in an in-frame deletion of the adjacent exon with an unclear effect on protein function; Not observed at significant frequency in large population cohorts (gnomAD); Observed in 0.025% of alleles from Qatari individuals evaluated by whole genome sequencing (Elfatih et al., 2021); A different nucleotide change at this same canonical splice site (c.4096+1G>A) has been reported to result in a shortened BRCA1 transcript lacking a large portion of exon 10, previously denoted exon 11, which is known as the delta11q isoform, and functional studies are inconclusive (Thakur et al., 1997; Bonatti et al., 2006; Colombo et al., 2014); Also known as 4215+1G>C; This variant is associated with the following publications: (PMID: 32322110, 34428338, 17011978, 24569164, 8972225, 20104584, 15343273, 22737296)

NM_007294.4(BRCA1):c.4096+1G>C

Genes: BRCA1 (BRCA1 DNA repair associated; minus strand), LOC126862571 (BRD4-independent group 4 enhancer GRCh37_chr17:41243136-41244335; plus strand). Cytogenetic location: 17q21.31.
Variant type: single nucleotide variant.
Coding change: c.4096+1G>C on transcript NM_007294.4 (MANE Select); the canonical splice donor site of the intron after coding-DNA position 4096, G replaced by C.
Molecular consequence: splice donor variant. On other transcripts: intron variant (135).
Genome position (GRCh38, 1-based): chr17:43,091,434, C>G on the plus strand (G>C on the coding strand, the complement: BRCA1 is on the minus strand). VCF-style: chr17-43091434-C-G. GRCh37 (hg19) VCF-style: chr17-41243451-C-G.
Other names: c.647-402G>C (NM_001408458.1, NM_001408469.1, NM_001408453.1 and 11 more transcripts); c.3208+1G>C (NM_001407967.1, NM_001407966.1); c.3715+1G>C (NM_001407959.1, NM_001407963.1, NM_001407960.1); c.3829+1G>C (NM_001407931.1, NM_001407932.1, NM_001407934.1 and 2 more transcripts); c.3952+1G>C (NM_001407747.1, NM_001407848.1, NM_001407839.1 and 20 more transcripts); c.3712+1G>C (NM_001407962.1); c.284-402G>C (NM_001408512.1); c.407-402G>C (NM_001408510.1); and 41 more.
Identifiers: ClinVar variation 2442430 (VCV002442430.1), dbSNP rs80358178, ClinGen allele CA10593764.